The following is an entry in ClinVar:

ClinVar aggregate classification (germline): Uncertain significance. Review status: criteria provided, multiple submitters, no conflicts (2 of 4 stars). 2 submissions from 2 submitters: Uncertain significance (2). Last evaluated 2022-06-03.

Conditions:
Alstrom syndrome (ALMS). Identifiers: Orphanet 64, MedGen C0268425, MONDO:0008763, OMIM 203800.

Allele frequency attached by ClinVar (database versions not stated): TOPMed below 0.00001.

Submissions (2):

Labcorp Genetics (formerly Invitae), Labcorp
Classification: Uncertain significance for Alstrom syndrome. Last evaluated: 2022-06-03. Review status: criteria provided, single submitter. Criteria: Invitae Variant Classification Sherloc (09022015). Collection method: clinical testing. Allele origin: germline.
Comment: This variant has not been reported in the literature in individuals affected with ALMS1-related conditions. This variant is not present in population databases (gnomAD no frequency). This sequence change replaces lysine, which is basic and polar, with asparagine, which is neutral and polar, at codon 1123 of the ALMS1 protein (p.Lys1123Asn). ClinVar contains an entry for this variant (Variation ID: 1495651). In summary, the available evidence is currently insufficient to determine the role of this variant in disease. Therefore, it has been classified as a Variant of Uncertain Significance. Experimental studies and prediction algorithms are not available or were not evaluated, and the functional significance of this variant is currently unknown.

Fulgent Genetics
Classification: Uncertain significance for Alstrom syndrome. Last evaluated: 2022-04-07. Review status: criteria provided, single submitter. Criteria: ACMG Guidelines, 2015. Collection method: clinical testing. Allele origin: unknown.

NM_001378454.1(ALMS1):c.3366A>C (p.Lys1122Asn)

Gene: ALMS1 (ALMS1 centrosome and basal body associated protein; plus strand). Cytogenetic location: 2p13.1.
Variant type: single nucleotide variant.
Coding change: c.3366A>C on transcript NM_001378454.1 (MANE Select); coding-DNA position 3366, A replaced by C.
Protein change: p.Lys1122Asn; replaces lysine 1122 with asparagine.
Molecular consequence: missense variant.
Genome position (GRCh38, 1-based): chr2:73,449,893, A>C. VCF-style: chr2-73449893-A-C. GRCh37 (hg19) VCF-style: chr2-73677020-A-C.
Other names: c.3369A>C, p.Lys1123Asn (NM_015120.4); short protein forms K1123N, K1122N.
Identifiers: ClinVar variation 1495651 (VCV001495651.6), dbSNP rs1254282900, ClinGen allele CA347275377.